The following is an entry in ClinVar:

NM_000161.3(GCH1):c.280A>T (p.Thr94Ser)

Gene: GCH1 (GTP cyclohydrolase 1; minus strand). Cytogenetic location: 14q22.2.
Variant type: single nucleotide variant.
Coding change: c.280A>T on transcript NM_000161.3 (MANE Select); coding-DNA position 280, A replaced by T.
Protein change: p.Thr94Ser; replaces threonine 94 with serine.
Molecular consequence: missense variant.
Genome position (GRCh38, 1-based): chr14:54,902,384, T>A on the plus strand (A>T on the coding strand, the complement: GCH1 is on the minus strand). VCF-style: chr14-54902384-T-A. GRCh37 (hg19) VCF-style: chr14-55369102-T-A.
Other names: c.280A>T, p.Thr94Ser (NM_001024024.2, NM_001024070.2, NM_001024071.2 and 1 more transcripts); short protein forms T94S.
Identifiers: ClinVar variation 3341094 (VCV003341094.3).

ClinVar aggregate classification (germline): Uncertain significance (1 of 4 stars; one submission).

Conditions:
Dystonia 5 (DRD). Also called: DYT-GCH1; DYSTONIA, PROGRESSIVE, WITH DIURNAL VARIATION; DYSTONIA-PARKINSONISM WITH DIURNAL FLUCTUATION; Dystonia, DOPA-responsive, with or without hyperphenylalaninemia; GTP Cyclohydrolase 1-Deficient Dopa-Responsive Dystonia. Identifiers: Orphanet 98808, MedGen C1851920, MONDO:0007495, OMIM 128230.

Submission:

Clinical Omics and Informatics (COIN) Unit, Neuroscience Institute, University Of Cape Town
Classification: Uncertain significance for Dystonia 5. Last evaluated: 2025-02-10. Review status: criteria provided, single submitter. Criteria: ACMG Guidelines, 2015. Collection method: research. Allele origin: germline. Inheritance: Autosomal dominant inheritance. Affected: yes. Observed: 1 variant allele, 1 heterozygote.
Comment: This variant is absent from gnomAD v4.0 (adequate coverage >20X confirmed). PP3_Moderate: Revel score is 0.919. Sequencing funded by the International Centre for Genomic Medicine in Neuromuscular Diseases (ICGNMD).

Literature cited by the submitters: PubMed 10457396; PubMed 15753436; PubMed 23211702.